The following is an entry in ClinVar:

NM_002661.5(PLCG2):c.3245G>A (p.Cys1082Tyr)

Gene: PLCG2 (phospholipase C gamma 2; plus strand). Cytogenetic location: 16q23.3.
Variant type: single nucleotide variant.
Coding change: c.3245G>A on transcript NM_002661.5 (MANE Select); coding-DNA position 3245, G replaced by A.
Protein change: p.Cys1082Tyr; replaces cysteine 1082 with tyrosine.
Molecular consequence: missense variant.
Genome position (GRCh38, 1-based): chr16:81,938,847, G>A. VCF-style: chr16-81938847-G-A. GRCh37 (hg19) VCF-style: chr16-81972452-G-A.
Other names: c.3245G>A, p.Cys1082Tyr (NM_001425749.1, NM_001425750.1, NM_001425751.1); short protein forms C1082Y.
Identifiers: ClinVar variation 3611292 (VCV003611292.2).
Genomic context (GRCh38, chr16:81,938,847, plus strand): 5'-CTTTGGTGTCCCAGGTTCTCGGTGCTCGCCATCTCCCCAAACTTGGACGAAGTATTGCCT[G>A]TCCCTTTGTAGAAGTGGAGATCTGTGGAGCCGAGTATGACAACAACAAGTTCAAGACGAC-3'
Protein context (NP_002652.2, residues 1072-1092): HLPKLGRSIA[Cys1082Tyr]PFVEVEICGA

ClinVar aggregate classification (germline): Uncertain significance (1 of 4 stars; one submission).

Conditions:
Familial cold autoinflammatory syndrome 3 (FCAS3). Also called: FAMILIAL ATYPICAL COLD URTICARIA; ANTIBODY DEFICIENCY AND IMMUNE DYSREGULATION, PLCG2-ASSOCIATED. Identifiers: Orphanet 300359, MedGen C3280914, MONDO:0013766, OMIM 614468.

gnomAD v4.1: 2 of 1,613,744 alleles (0.00012%); highest among the groups gnomAD compares: Non-Finnish European, 0.00017%; no homozygotes.

Submission:

Labcorp Genetics (formerly Invitae), Labcorp
Classification: Uncertain significance for Familial cold autoinflammatory syndrome 3. Last evaluated: 2024-10-08. Review status: criteria provided, single submitter. Criteria: Invitae Variant Classification Sherloc (09022015). Collection method: clinical testing. Allele origin: germline.
Comment: This sequence change replaces cysteine, which is neutral and slightly polar, with tyrosine, which is neutral and polar, at codon 1082 of the PLCG2 protein (p.Cys1082Tyr). The frequency data for this variant in the population databases is considered unreliable, as metrics indicate poor data quality at this position in the gnomAD database. This variant has not been reported in the literature in individuals affected with PLCG2-related conditions. An algorithm developed to predict the effect of missense changes on protein structure and function (PolyPhen-2) suggests that this variant is likely to be disruptive. In summary, the available evidence is currently insufficient to determine the role of this variant in disease. Therefore, it has been classified as a Variant of Uncertain Significance.